The following is an entry in ClinVar:

ClinVar aggregate classification (germline): Uncertain significance (1 of 4 stars; one submission).

Allele frequency attached by ClinVar (database versions not stated): gnomAD exomes 0.00001; ExAC 0.00002.
gnomAD v4.1: 8 of 1,613,410 alleles (0.0005%); highest among the groups gnomAD compares: Non-Finnish European, 0.00059%; no homozygotes.

Submission:

Labcorp Genetics (formerly Invitae), Labcorp
Classification: Uncertain significance. Last evaluated: 2022-07-25. Review status: criteria provided, single submitter. Criteria: Invitae Variant Classification Sherloc (09022015). Collection method: clinical testing. Allele origin: germline.
Comment: In summary, the available evidence is currently insufficient to determine the role of this variant in disease. Therefore, it has been classified as a Variant of Uncertain Significance. Advanced modeling of protein sequence and biophysical properties (such as structural, functional, and spatial information, amino acid conservation, physicochemical variation, residue mobility, and thermodynamic stability) performed at Invitae indicates that this missense variant is expected to disrupt DEAF1 protein function. ClinVar contains an entry for this variant (Variation ID: 1385448). This variant has not been reported in the literature in individuals affected with DEAF1-related conditions. This variant is present in population databases (rs749825655, gnomAD 0.004%). This sequence change replaces alanine, which is neutral and non-polar, with threonine, which is neutral and polar, at codon 121 of the DEAF1 protein (p.Ala121Thr).

NM_021008.4(DEAF1):c.361G>A (p.Ala121Thr)

Gene: DEAF1 (DEAF1 transcription factor; minus strand). Cytogenetic location: 11p15.5.
Variant type: single nucleotide variant.
Coding change: c.361G>A on transcript NM_021008.4 (MANE Select); coding-DNA position 361, G replaced by A.
Protein change: p.Ala121Thr; replaces alanine 121 with threonine.
Molecular consequence: missense variant. On other transcripts: 5 prime UTR variant (1).
Genome position (GRCh38, 1-based): chr11:691,527, C>T on the plus strand (G>A on the coding strand, the complement: DEAF1 is on the minus strand). VCF-style: chr11-691527-C-T. GRCh37 (hg19) VCF-style: chr11-691527-C-T.
Other names: c.361G>A, p.Ala121Thr (NM_001293634.2); c.-366G>A (NM_001367390.1); short protein forms A121T.
Identifiers: ClinVar variation 1385448 (VCV001385448.6), dbSNP rs749825655, ClinGen allele CA5786584.